The following is an entry in ClinVar:

NM_172107.4(KCNQ2):c.1933A>G (p.Met645Val)

Gene: KCNQ2 (potassium voltage-gated channel subfamily Q member 2; minus strand). Cytogenetic location: 20q13.33.
Variant type: single nucleotide variant.
Coding change: c.1933A>G on transcript NM_172107.4 (MANE Select); coding-DNA position 1933, A replaced by G.
Protein change: p.Met645Val; replaces methionine 645 with valine.
Molecular consequence: missense variant.
Genome position (GRCh38, 1-based): chr20:63,407,330, T>C on the plus strand (A>G on the coding strand, the complement: KCNQ2 is on the minus strand). VCF-style: chr20-63407330-T-C. GRCh37 (hg19) VCF-style: chr20-62038683-T-C.
Other names: c.1987A>G, p.Met663Val (NM_001382235.1); c.1849A>G, p.Met617Val (NM_004518.6); c.1879A>G, p.Met627Val (NM_172106.3); c.1840A>G, p.Met614Val (NM_172108.5); short protein forms M614V, M617V, M627V, M645V, M663V.
Identifiers: ClinVar variation 3618088 (VCV003618088.2).

ClinVar aggregate classification (germline): Uncertain significance (1 of 4 stars; one submission).

Conditions:
Early-infantile DEE. Also called: Early infantile epileptic encephalopathy; Ohtahara syndrome; Early infantile epileptic encephalopathy with suppression bursts. Identifiers: Orphanet 1934, MedGen C0393706, MONDO:0800491.

gnomAD v4.1: 1 of 1,597,528 alleles (0.000063%); highest among the groups gnomAD compares: Non-Finnish European, 0.000085%; no homozygotes.

Submission:

Labcorp Genetics (formerly Invitae), Labcorp
Classification: Uncertain significance for Early-infantile DEE. Last evaluated: 2024-05-05. Review status: criteria provided, single submitter. Criteria: Invitae Variant Classification Sherloc (09022015). Collection method: clinical testing. Allele origin: germline.
Comment: This sequence change replaces methionine, which is neutral and non-polar, with valine, which is neutral and non-polar, at codon 645 of the KCNQ2 protein (p.Met645Val). This variant is present in population databases (rs752076408, gnomAD 0.0009%). This variant has not been reported in the literature in individuals affected with KCNQ2-related conditions. An algorithm developed to predict the effect of missense changes on protein structure and function (PolyPhen-2) suggests that this variant is likely to be tolerated. In summary, the available evidence is currently insufficient to determine the role of this variant in disease. Therefore, it has been classified as a Variant of Uncertain Significance.